The following is an entry in ClinVar:

ClinVar aggregate classification (germline): Uncertain significance (1 of 4 stars; one submission).

gnomAD v4.1: 1 of 1,200,229 alleles (0.000083%); highest among the groups gnomAD compares: Admixed American, 0.0022%; no homozygotes.

Submission:

GeneDx
Classification: Uncertain significance. Last evaluated: 2023-05-15. Review status: criteria provided, single submitter. Criteria: GeneDx Variant Classification Process June 2021. Collection method: clinical testing. Allele origin: germline. Affected: yes.
Comment: Not observed at significant frequency in large population cohorts (gnomAD); In silico analysis supports that this missense variant has a deleterious effect on protein structure/function; Has not been previously published as pathogenic or benign to our knowledge

NM_001330360.2(POLA1):c.3356A>T (p.Gln1119Leu)

Gene: POLA1 (DNA polymerase alpha 1, catalytic subunit; plus strand). Cytogenetic location: Xp22.11.
Variant type: single nucleotide variant.
Coding change: c.3356A>T on transcript NM_001330360.2 (MANE Select); coding-DNA position 3356, A replaced by T.
Protein change: p.Gln1119Leu; replaces glutamine 1119 with leucine.
Molecular consequence: missense variant. On other transcripts: non-coding transcript variant (2).
Genome position (GRCh38, 1-based): chrX:24,815,038, A>T. VCF-style: chrX-24815038-A-T. GRCh37 (hg19) VCF-style: chrX-24833155-A-T.
Other names: c.3281A>T, p.Gln1094Leu (NM_001378303.1); c.3338A>T, p.Gln1113Leu (NM_016937.4); short protein forms Q1094L, Q1113L, Q1119L.
Identifiers: ClinVar variation 3343608 (VCV003343608.1).
Genomic context (GRCh38, chrX:24,815,038, plus strand): 5'-GCTTTGTGATTGGCCAGATTCTTTCTGATCAAAGCCGGGACACTATAGTGGAAAACATTC[A>T]GAAGAGGCTGATAGAAATTGGAGAAAATGTGCTAAATGGCAGTGTCCCAGTGAGCCAGTT-3'
Protein context (NP_001317289.1, residues 1109-1129): QSRDTIVENI[Gln1119Leu]KRLIEIGENV